The following is an entry in ClinVar:

ClinVar aggregate classification (germline): Likely benign. Review status: criteria provided, multiple submitters, no conflicts (2 of 4 stars). 2 submissions from 2 submitters: Likely benign (2). Last evaluated 2023-10-23.

Conditions:
Cardiomyopathy (CMYO). Also called: Cardiomyopathies. Identifiers: Orphanet 167848, MedGen C0878544, MONDO:0004994, HP:0001638. Inheritance: Various modes of inheritance.

Allele frequency attached by ClinVar (database versions not stated): gnomAD exomes 0.00001.
gnomAD v4.1: 12 of 1,614,148 alleles (0.00074%); highest among the groups gnomAD compares: Non-Finnish European, 0.001%; no homozygotes.

Submissions (2):

All of Us Research Program, National Institutes of Health
Classification: Likely benign for Cardiomyopathy. Last evaluated: 2023-10-23. Review status: criteria provided, single submitter. Criteria: ACMG Guidelines, 2015. Collection method: clinical testing. Allele origin: germline. Inheritance: Autosomal dominant inheritance. Observed: 1 variant allele, 1 heterozygote.
Comment: This study involves interpretation of variants in research participants for the purpose of population health screening. Participant phenotype was not available at the time of variant classification. Additional details can be found in publication PMID: 35346344, PMCID: PMC8962531

Color Diagnostics, LLC DBA Color Health
Classification: Likely benign for Cardiomyopathy. Last evaluated: 2023-10-05. Review status: criteria provided, single submitter. Criteria: ACMG Guidelines, 2015. Collection method: clinical testing. Allele origin: germline.

NM_000257.4(MYH7):c.5103G>A (p.Leu1701=)

Genes: MHRT (myosin heavy chain associated RNA transcript; plus strand), MYH7 (myosin heavy chain 7; minus strand), LOC126861897 (BRD4-independent group 4 enhancer GRCh37_chr14:23884455-23885654; plus strand). Cytogenetic location: 14q11.2.
Variant type: single nucleotide variant.
Coding change: c.5103G>A on transcript NM_000257.4 (MANE Select); coding-DNA position 5103, G replaced by A.
Protein change: p.Leu1701=; no amino-acid change (leucine 1701 retained).
Molecular consequence: synonymous variant. On other transcripts: non-coding transcript variant (1).
Genome position (GRCh38, 1-based): chr14:23,415,683, C>T on the plus strand (G>A on the coding strand, the complement: MYH7 is on the minus strand). VCF-style: chr14-23415683-C-T. GRCh37 (hg19) VCF-style: chr14-23884892-C-T.
Other names: c.5103G>A, p.Leu1701= (NM_001407004.1).
Identifiers: ClinVar variation 3074082 (VCV003074082.2), dbSNP rs2502242468, ClinGen allele CA485766319.